The following is an entry in ClinVar:

NM_152641.4(ARID2):c.3934A>G (p.Ile1312Val)

Gene: ARID2 (AT-rich interaction domain 2; plus strand). Cytogenetic location: 12q12.
Variant type: single nucleotide variant.
Coding change: c.3934A>G on transcript NM_152641.4 (MANE Select); coding-DNA position 3934, A replaced by G.
Protein change: p.Ile1312Val; replaces isoleucine 1312 with valine.
Molecular consequence: missense variant.
Genome position (GRCh38, 1-based): chr12:45,852,057, A>G. VCF-style: chr12-45852057-A-G. GRCh37 (hg19) VCF-style: chr12-46245840-A-G.
Other names: c.3934A>G, p.Ile1312Val (NM_001347839.2); short protein forms I1312V.
Identifiers: ClinVar variation 1809861 (VCV001809861.1), dbSNP rs2547662821, ClinGen allele CA384488774.

ClinVar aggregate classification (germline): Uncertain significance (1 of 4 stars; one submission).

Submission:

GeneDx
Classification: Uncertain significance. Last evaluated: 2022-06-28. Review status: criteria provided, single submitter. Criteria: GeneDx Variant Classification Process June 2021. Collection method: clinical testing. Allele origin: germline. Affected: yes.
Comment: Not observed at significant frequency in large population cohorts (gnomAD); In silico analysis supports that this missense variant does not alter protein structure/function; Has not been previously published as pathogenic or benign to our knowledge